The following is an entry in ClinVar:

NM_021625.5(TRPV4):c.1581C>T (p.Thr527=)

Gene: TRPV4 (transient receptor potential cation channel subfamily V member 4; minus strand). Cytogenetic location: 12q24.11.
Variant type: single nucleotide variant.
Coding change: c.1581C>T on transcript NM_021625.5 (MANE Select); coding-DNA position 1581, C replaced by T.
Protein change: p.Thr527=; no amino-acid change (threonine 527 retained).
Molecular consequence: synonymous variant.
Genome position (GRCh38, 1-based): chr12:109,793,933, G>A on the plus strand (C>T on the coding strand, the complement: TRPV4 is on the minus strand). VCF-style: chr12-109793933-G-A. GRCh37 (hg19) VCF-style: chr12-110231738-G-A.
Other names: c.1440C>T, p.Thr480= (NM_001177428.2); c.1479C>T, p.Thr493= (NM_001177431.2); c.1260C>T, p.Thr420= (NM_001177433.2); c.1401C>T, p.Thr467= (NM_147204.3).
Identifiers: ClinVar variation 241382 (VCV000241382.38), dbSNP rs114653066, ClinGen allele CA6780184.

ClinVar aggregate classification (germline): Benign/Likely benign. Review status: criteria provided, multiple submitters, no conflicts (2 of 4 stars). 6 submissions from 6 submitters: Benign (1); Likely benign (4). 1 of the submissions does not count toward it. Last evaluated 2026-01-26.

Conditions:
TRPV4-related disorder. Also called: TRPV4-related disorders; TRPV4-related condition.
Inborn genetic diseases. Identifiers: MedGen C0950123, MeSH D030342.
Charcot-Marie-Tooth disease axonal type 2C (HMSN2C). Also called: Charcot-Marie-Tooth Disease Type 2, TRPV4-Related (CMT2C); CHARCOT-MARIE-TOOTH DISEASE, AXONAL, AUTOSOMAL DOMINANT, TYPE 2C; Charcot-Marie-Tooth Neuropathy Type 2C. Identifiers: Orphanet 99937, MedGen C1853710, MONDO:0011633, OMIM 606071.

Allele frequency attached by ClinVar (database versions not stated): gnomAD exomes 0.00013 and 0.00039; 1000 Genomes Project 0.00040; ExAC 0.00061; 1000 Genomes Project 30x 0.00062; ESP Exome Variant Server 0.00162; gnomAD 0.00168 and 0.00182; TOPMed 0.00172.
gnomAD v4.1: 452 of 1,608,156 alleles (0.028%); highest among the groups gnomAD compares: African/African-American, 0.53%; 1 homozygote.

Submissions (6):

Labcorp Genetics (formerly Invitae), Labcorp
Classification: Benign for Charcot-Marie-Tooth disease axonal type 2C. Last evaluated: 2026-01-26. Review status: criteria provided, single submitter. Criteria: Invitae Variant Classification Sherloc (09022015). Collection method: clinical testing. Allele origin: germline.

Blueprint Genetics
Classification: Likely benign. Last evaluated: 2024-11-14. Review status: criteria provided, single submitter. Criteria: ACMG Guidelines, 2015. Collection method: clinical testing. Allele origin: germline.

CeGaT Center for Human Genetics Tuebingen
Classification: Likely benign. Last evaluated: 2023-02-01. Review status: criteria provided, single submitter. Criteria: CeGaT Center For Human Genetics Tuebingen Variant Classification Criteria Version 2. Collection method: clinical testing. Allele origin: germline. Affected: yes. Observed: 1 variant allele.
Comment: TRPV4: BP4, BP7

GeneDx
Classification: Likely benign. Last evaluated: 2021-03-19. Review status: criteria provided, single submitter. Criteria: GeneDx Variant Classification Process June 2021. Collection method: clinical testing. Allele origin: germline. Affected: yes.

Ambry Genetics
Classification: Likely benign for Inborn genetic diseases. Last evaluated: 2019-07-11. Review status: criteria provided, single submitter. Criteria: Ambry Variant Classification Scheme 2023. Collection method: clinical testing. Allele origin: germline.

PreventionGenetics, part of Exact Sciences
Classification: Benign for TRPV4-related condition. Last evaluated: 2019-10-28. Review status: no assertion criteria provided. Collection method: clinical testing. Allele origin: germline. Not counted in ClinVar's aggregate classification.
Comment: This variant is classified as benign based on ACMG/AMP sequence variant interpretation guidelines (Richards et al. 2015 PMID: 25741868, with internal and published modifications).